The following is an entry in ClinVar:

NM_173551.5(ANKS6):c.1525C>A (p.Arg509Ser)

Gene: ANKS6 (ankyrin repeat and sterile alpha motif domain containing 6; minus strand). Cytogenetic location: 9q22.33.
Variant type: single nucleotide variant.
Coding change: c.1525C>A on transcript NM_173551.5 (MANE Select); coding-DNA position 1525, C replaced by A.
Protein change: p.Arg509Ser; replaces arginine 509 with serine.
Molecular consequence: missense variant.
Genome position (GRCh38, 1-based): chr9:98,778,268, G>T on the plus strand (C>A on the coding strand, the complement: ANKS6 is on the minus strand). VCF-style: chr9-98778268-G-T. GRCh37 (hg19) VCF-style: chr9-101540550-G-T.
Other names: short protein forms R509S.
Identifiers: ClinVar variation 707351 (VCV000707351.13), dbSNP rs150567578, ClinGen allele CA5153468.

ClinVar aggregate classification (germline): Conflicting classifications of pathogenicity. Review status: criteria provided, conflicting classifications (1 of 4 stars). 3 submissions from 3 submitters: Uncertain significance (1); Likely benign (2). Last evaluated 2025-12-24.

Conditions:
Nephronophthisis 16 (NPHP16). Identifiers: Orphanet 655, MedGen C3809320, MONDO:0014158, OMIM 615382.
Inborn genetic diseases. Identifiers: MedGen C0950123, MeSH D030342.

Allele frequency attached by ClinVar (database versions not stated): ESP Exome Variant Server 0.00171; 1000 Genomes Project 0.00260; gnomAD 0.00164 and 0.00153; TOPMed 0.00167; 1000 Genomes Project 30x 0.00250.
gnomAD v4.1: 477 of 1,614,186 alleles (0.03%); highest among the groups gnomAD compares: African/African-American, 0.58%; no homozygotes.

Submissions (3):

Labcorp Genetics (formerly Invitae), Labcorp
Classification: Likely benign for Nephronophthisis 16. Last evaluated: 2025-12-24. Review status: criteria provided, single submitter. Criteria: Invitae Variant Classification Sherloc (09022015). Collection method: clinical testing. Allele origin: germline.

Ambry Genetics
Classification: Likely benign for Inborn genetic diseases. Last evaluated: 2025-08-12. Review status: criteria provided, single submitter. Criteria: Ambry Variant Classification Scheme 2023. Collection method: clinical testing. Allele origin: germline.

GeneDx
Classification: Uncertain significance. Last evaluated: 2020-01-28. Review status: criteria provided, single submitter. Criteria: GeneDx Variant Classification Process June 2021. Collection method: clinical testing. Allele origin: germline. Affected: yes.
Comment: In silico analysis supports that this missense variant does not alter protein structure/function; Has not been previously published as pathogenic or benign to our knowledge